The following is an entry in ClinVar:

ClinVar aggregate classification (germline): Conflicting classifications of pathogenicity. Review status: criteria provided, conflicting classifications (1 of 4 stars). 3 submissions from 3 submitters: Uncertain significance (1); Likely benign (2). Last evaluated 2025-10-22.

Conditions:
Cardiac arrhythmia. Also called: Cardiac rhythm disease; Arrhythmia. Identifiers: MedGen C0003811, MONDO:0007263, HP:0011675.
Cardiovascular phenotype. Identifiers: MedGen CN230736.
Long QT syndrome (LQTS). Identifiers: MedGen C0023976, MeSH D008133, MONDO:0002442. Disease mechanism: loss of function. Inheritance: Various modes of inheritance.

Allele frequency attached by ClinVar (database versions not stated): TOPMed 0.00003; gnomAD 0.00004 and 0.00003.
gnomAD v4.1: 7 of 1,613,598 alleles (0.00043%); highest among the groups gnomAD compares: African/African-American, 0.0093%; no homozygotes.

Submissions (3):

Labcorp Genetics (formerly Invitae), Labcorp
Classification: Likely benign for Long QT syndrome. Last evaluated: 2025-10-22. Review status: criteria provided, single submitter. Criteria: Invitae Variant Classification Sherloc (09022015). Collection method: clinical testing. Allele origin: germline.

Color Diagnostics, LLC DBA Color Health
Classification: Likely benign for Cardiac arrhythmia. Last evaluated: 2025-05-27. Review status: criteria provided, single submitter. Criteria: ACMG Guidelines, 2015. Collection method: clinical testing. Allele origin: germline.

Ambry Genetics
Classification: Uncertain significance for Cardiovascular phenotype. Last evaluated: 2022-01-04. Review status: criteria provided, single submitter. Criteria: Ambry Variant Classification Scheme 2023. Collection method: clinical testing. Allele origin: germline.
Comment: The c.1033-5C>G intronic variant results from a C to G substitution 5 nucleotides upstream from coding exon 8 in the KCNQ1 gene. This nucleotide position is not well conserved in available vertebrate species. In silico splice site analysis for this alteration is inconclusive. Since supporting evidence is limited at this time, the clinical significance of this alteration remains unclear.

NM_000218.3(KCNQ1):c.1033-5C>G

Gene: KCNQ1 (potassium voltage-gated channel subfamily Q member 1; plus strand). Cytogenetic location: 11p15.5.
Variant type: single nucleotide variant.
Coding change: c.1033-5C>G on transcript NM_000218.3 (MANE Select); 5 bases into the intron before coding-DNA position 1033, C replaced by G.
Molecular consequence: intron variant.
Genome position (GRCh38, 1-based): chr11:2,585,207, C>G. VCF-style: chr11-2585207-C-G. GRCh37 (hg19) VCF-style: chr11-2606437-C-G.
Other names: c.763-5C>G (NM_001406837.1); c.1032+1662C>G (NM_001406836.1); c.588+1662C>G (NM_001406838.1); c.652-5C>G (NM_181798.2).
Identifiers: ClinVar variation 527094 (VCV000527094.14), dbSNP rs764094211, ClinGen allele CA026945.